The following is an entry in ClinVar:

NM_021098.3(CACNA1H):c.6854G>C (p.Ser2285Thr)

Gene: CACNA1H (calcium voltage-gated channel subunit alpha1 H; plus strand). Cytogenetic location: 16p13.3.
Variant type: single nucleotide variant.
Coding change: c.6854G>C on transcript NM_021098.3 (MANE Select); coding-DNA position 6854, G replaced by C.
Protein change: p.Ser2285Thr; replaces serine 2285 with threonine.
Molecular consequence: missense variant.
Genome position (GRCh38, 1-based): chr16:1,220,786, G>C. VCF-style: chr16-1220786-G-C. GRCh37 (hg19) VCF-style: chr16-1270786-G-C.
Other names: c.6836G>C, p.Ser2279Thr (NM_001005407.2); short protein forms S2279T, S2285T.
Identifiers: ClinVar variation 3774689 (VCV003774689.1).

ClinVar aggregate classification (germline): Uncertain significance (1 of 4 stars; one submission).

Submission:

GeneDx
Classification: Uncertain significance. Last evaluated: 2024-09-26. Review status: criteria provided, single submitter. Criteria: GeneDx Variant Classification Process June 2021. Collection method: clinical testing. Allele origin: germline. Affected: yes.
Comment: Not observed at significant frequency in large population cohorts (gnomAD); In silico analysis indicates that this missense variant does not alter protein structure/function; Has not been previously published as pathogenic or benign to our knowledge